The following is an entry in ClinVar:

ClinVar aggregate classification (germline): Pathogenic (1 of 4 stars; one submission).

Conditions:
ANK2-associated Neurodevelopmental Disorder.

Submission:

Institute of Human Genetics, University of Leipzig Medical Center
Classification: Pathogenic for ANK2-associated neurodevelopmental disorder. Last evaluated: 2024-03-01. Review status: criteria provided, single submitter. Criteria: ACMG Guidelines, 2015. Collection method: clinical testing. Allele origin: de novo. Inheritance: Autosomal dominant inheritance. Affected: yes.
Comment: Criteria applied: PVS1,PS2_MOD,PM2_SUP; NDD Phenotype based on PMID:37195288

NM_001148.6(ANK2):c.10768G>T (p.Glu3590Ter)

Gene: ANK2 (ankyrin 2; plus strand). Cytogenetic location: 4q26.
Variant type: single nucleotide variant.
Coding change: c.10768G>T on transcript NM_001148.6 (MANE Select); coding-DNA position 10768, G replaced by T.
Protein change: p.Glu3590Ter; replaces glutamic acid 3590 with a stop codon.
Molecular consequence: nonsense.
Genome position (GRCh38, 1-based): chr4:113,363,349, G>T. VCF-style: chr4-113363349-G-T. GRCh37 (hg19) VCF-style: chr4-114284505-G-T.
Other names: c.4486G>T, p.Glu1496Ter (NM_001127493.3); c.4525G>T, p.Glu1509Ter (NM_001354225.2); c.4414G>T, p.Glu1472Ter (NM_001354228.2, NM_001354258.2); c.4492G>T, p.Glu1498Ter (NM_001354230.2); c.4555G>T, p.Glu1519Ter (NM_001354231.2, NM_001354242.2); c.4549G>T, p.Glu1517Ter (NM_001354232.2); c.4510G>T, p.Glu1504Ter (NM_001354235.2, NM_001354246.2, NM_001354265.2); c.4411G>T, p.Glu1471Ter (NM_001354236.2); and 35 more; short protein forms E1344*, E1377*, E1405*, E1410*, E1418*, E1427*, E1430*, E1432*.
Identifiers: ClinVar variation 3068471 (VCV003068471.2), dbSNP rs2506612939, ClinGen allele CA357941187.